The following is an entry in ClinVar:

ClinVar aggregate classification (germline): Uncertain significance (1 of 4 stars; one submission).

Conditions:
Cardiovascular phenotype. Identifiers: MedGen CN230736.

Submission:

Ambry Genetics
Classification: Uncertain significance for Cardiovascular phenotype. Last evaluated: 2025-12-26. Review status: criteria provided, single submitter. Criteria: Ambry Variant Classification Scheme 2023. Collection method: clinical testing. Allele origin: germline.
Comment: The p.D105E variant (also known as c.315C>G), located in coding exon 1 of the NKX2-5 gene, results from a C to G substitution at nucleotide position 315. The aspartic acid at codon 105 is replaced by glutamic acid, an amino acid with highly similar properties. This amino acid position is conserved. In addition, this alteration is predicted to be tolerated by in silico analysis. Based on the available evidence, the clinical significance of this variant remains unclear.

NM_004387.4(NKX2-5):c.315C>G (p.Asp105Glu)

Gene: NKX2-5 (NK2 homeobox 5; minus strand). Cytogenetic location: 5q35.1.
Variant type: single nucleotide variant.
Coding change: c.315C>G on transcript NM_004387.4 (MANE Select); coding-DNA position 315, C replaced by G.
Protein change: p.Asp105Glu; replaces aspartic acid 105 with glutamic acid.
Molecular consequence: missense variant.
Genome position (GRCh38, 1-based): chr5:173,234,769, G>C on the plus strand (C>G on the coding strand, the complement: NKX2-5 is on the minus strand). VCF-style: chr5-173234769-G-C. GRCh37 (hg19) VCF-style: chr5-172661772-G-C.
Other names: c.315C>G, p.Asp105Glu (NM_001166175.2, NM_001166176.2); short protein forms D105E.
Identifiers: ClinVar variation 4843217 (VCV004843217.1).